The following is an entry in ClinVar:

ClinVar aggregate classification (germline): Pathogenic (1 of 4 stars; one submission).

Submission:

ISCA Site 6
Classification: Pathogenic. Last evaluated: 2011-08-12. Review status: criteria provided, single submitter. Criteria: Kaminsky et al. (Genet Med. 2011). Collection method: clinical testing. Allele origin: unknown. Affected: yes. Observed: 1 variant allele.
Comment: Copy number variation identified through the course of routine clinical cytogenomic testing in postnatal populations. Clinical assertions have been curated as described in Kaminsky et al. 2011.

GRCh38/hg38 22q13.31-13.33(chr22:44811200-50739836)x3

Genes: ACR (acrosin; plus strand), ADM2 (adrenomedullin 2; plus strand), ALG12 (ALG12 alpha-1,6-mannosyltransferase; minus strand), ARHGAP8 (Rho GTPase activating protein 8; plus strand), ARSA (arylsulfatase A; minus strand) and 394 more. Cytogenetic location: 22q13.31-13.33.
Variant type: copy number gain.
Change: copy number 3 (three copies instead of two) of chr22:44,811,200-50,739,836 (5.93 Mb, GRCh38 coordinates, 1-based), cytogenetic band 22q13.31-13.33.
Identifiers: ClinVar variation 57947 (VCV000057947.3).